The following is an entry in ClinVar:

ClinVar aggregate classification (germline): Conflicting classifications of pathogenicity. Review status: criteria provided, conflicting classifications (1 of 4 stars). 5 submissions from 5 submitters: Likely pathogenic (3); Uncertain significance (1). 1 of the submissions does not count toward it. Last evaluated 2026-10-26.

Conditions:
Cardiovascular phenotype. Identifiers: MedGen CN230736.
Familial long QT syndrome (RWS). Also called: Congenital long QT syndrome; Romano-Ward syndrome; VENTRICULAR FIBRILLATION WITH PROLONGED QT INTERVAL. Identifiers: Orphanet 768, MedGen C1141890, MONDO:0019171.
Long QT syndrome (LQTS). Identifiers: MedGen C0023976, MeSH D008133, MONDO:0002442. Disease mechanism: loss of function. Inheritance: Various modes of inheritance.
Long QT syndrome 1 (LQT1). Identifiers: Orphanet 101016, Orphanet 768, MedGen C4551647, MONDO:0100316, OMIM 192500, MONDO:0008646.

Submissions (5):

GeneDx
Classification: Likely pathogenic. Last evaluated: 2026-10-26. Review status: criteria provided, single submitter. Criteria: GeneDx Variant Classification Process June 2021. Collection method: clinical testing. Allele origin: germline.
Comment: Published functional studies suggest a damaging effect through impaired potassium channel activity (PMID: 30571187, 32797034); Not observed at significant frequency in large population cohorts (gnomAD); In silico analysis supports that this missense variant has a deleterious effect on protein structure/function; This variant is associated with the following publications: (PMID: 19841300, 15840476, 31518351, 36339618, 36934983, 29532034, 30571187, 32797034, 23591039, 23392653)

Ambry Genetics
Classification: Likely pathogenic for Cardiovascular phenotype. Last evaluated: 2026-02-13. Review status: criteria provided, single submitter. Criteria: Ambry Variant Classification Scheme 2023. Collection method: clinical testing. Allele origin: germline.
Comment: The p.C122Y variant (also known as c.365G>A), located in coding exon 1 of the KCNQ1 gene, results from a G to A substitution at nucleotide position 365. The cysteine at codon 122 is replaced by tyrosine, an amino acid with highly dissimilar properties. This variant has been identified in the homozygous state and/or in conjunction with other KCNQ1 variant(s) in individual(s) with features consistent with KCNQ1-related Jervell and Lange-Nielsen syndrome (Giudicessi JR et al. Circ Cardiovasc Genet, 2013 Apr;6:193-200); in at least one instance, the variants were identified in trans. Functional studies suggest loss of function; however, additional evidence is needed to confirm these findings (Huang H et al. Sci Adv, 2018 Mar;4:eaar2631; Vanoye CG et al. Circ Genom Precis Med, 2018 Nov;11:e002345; Zhang Y et al. Front Pharmacol, 2022 Oct;13:1010119). This amino acid position is highly conserved in available vertebrate species. In addition, this alteration is predicted to be deleterious by in silico analysis. This variant is considered to be rare based on population cohorts in the Genome Aggregation Database (gnomAD). Based on the majority of available evidence to date, this variant is likely to be pathogenic for autosomal dominant long QT syndrome and autosomal recessive Jervell and Lange-Nielsen syndrome; however, its clinical significance for autosomal dominant short QT syndrome is uncertain.

MVZ Medizinische Genetik Mainz
Classification: Likely pathogenic for Long QT syndrome 1. Last evaluated: 2024-04-17. Review status: criteria provided, single submitter. Criteria: UK Practice Guidelines For Variant Classification V4 01 2020. Collection method: clinical testing. Allele origin: germline. Inheritance: Autosomal dominant inheritance. Affected: yes. Observed: 1 variant allele.
Comment: ACMG Criteria: PM1_STR,PP3_STR,PS3_SUP,PS4_SUP,PM2_SUP

Labcorp Genetics (formerly Invitae), Labcorp
Classification: Uncertain significance for Long QT syndrome. Last evaluated: 2019-04-25. Review status: criteria provided, single submitter. Criteria: Invitae Variant Classification Sherloc (09022015). Collection method: clinical testing. Allele origin: germline.
Comment: In summary, the available evidence is currently insufficient to determine the role of this variant in disease. Therefore, it has been classified as a Variant of Uncertain Significance. This variant has been reported to affect KCNQ1 protein function (PMID: 29532034). This variant has been observed with a second variant in KCNQ1 in an individual affected with Jervell and Lange-Nielsen syndrome (PMID: 23392653). ClinVar contains an entry for this variant (Variation ID: 53039). This variant is not present in population databases (ExAC no frequency). This sequence change replaces cysteine with tyrosine at codon 122 of the KCNQ1 protein (p.Cys122Tyr). The cysteine residue is highly conserved and there is a large physicochemical difference between cysteine and tyrosine.

Cardiovascular Biomedical Research Unit, Royal Brompton & Harefield NHS Foundation Trust
No classification provided. Condition: Familial long QT syndrome. Review status: no classification provided. Collection method: literature only. Allele origin: germline. Not counted in ClinVar's aggregate classification.
Comment: This variant has been reported as associated with Long QT syndrome in the following publications (PMID:15840476;PMID:19841300). This is a literature report, and does not necessarily reflect the clinical interpretation of the Imperial College / Royal Brompton Cardiovascular Genetics laboratory.

Literature cited by the submitters: PubMed 23392653 (cited by Ambry Genetics and Labcorp Genetics (formerly Invitae), Labcorp); PubMed 29532034 (cited by Ambry Genetics and Labcorp Genetics (formerly Invitae), Labcorp); PubMed 30571187 (cited by Ambry Genetics); PubMed 36339618 (cited by Ambry Genetics); PubMed 15840476 (cited by Cardiovascular Biomedical Research Unit, Royal Brompton & Harefield NHS Foundation Trust); PubMed 19841300 (cited by Cardiovascular Biomedical Research Unit, Royal Brompton & Harefield NHS Foundation Trust); PubMed 22581653 (cited by Cardiovascular Biomedical Research Unit, Royal Brompton & Harefield NHS Foundation Trust).

NM_000218.3(KCNQ1):c.365G>A (p.Cys122Tyr)

Gene: KCNQ1 (potassium voltage-gated channel subfamily Q member 1; plus strand). Cytogenetic location: 11p15.5.
Variant type: single nucleotide variant.
Coding change: c.365G>A on transcript NM_000218.3 (MANE Select); coding-DNA position 365, G replaced by A.
Protein change: p.Cys122Tyr; replaces cysteine 122 with tyrosine.
Molecular consequence: missense variant.
Genome position (GRCh38, 1-based): chr11:2,445,463, G>A. VCF-style: chr11-2445463-G-A. GRCh37 (hg19) VCF-style: chr11-2466693-G-A.
Other names: p.C122Y:TGC>TAC; c.365G>A (LRG_287t1); short protein forms C122Y.
Identifiers: ClinVar variation 53039 (VCV000053039.12), dbSNP rs199472681, ClinGen allele CA006889.